The following is an entry in ClinVar:

NM_024642.5(GALNT12):c.367C>G (p.Pro123Ala)

Gene: GALNT12 (polypeptide N-acetylgalactosaminyltransferase 12; plus strand). Cytogenetic location: 9q22.33.
Variant type: single nucleotide variant.
Coding change: c.367C>G on transcript NM_024642.5 (MANE Select); coding-DNA position 367, C replaced by G.
Protein change: p.Pro123Ala; replaces proline 123 with alanine.
Molecular consequence: missense variant.
Genome position (GRCh38, 1-based): chr9:98,808,065, C>G. VCF-style: chr9-98808065-C-G. GRCh37 (hg19) VCF-style: chr9-101570347-C-G.
Other names: short protein forms P123A.
Identifiers: ClinVar variation 4743787 (VCV004743787.1).

ClinVar aggregate classification (germline): Uncertain significance (1 of 4 stars; one submission).

Submission:

Labcorp Genetics (formerly Invitae), Labcorp
Classification: Uncertain significance. Last evaluated: 2025-08-05. Review status: criteria provided, single submitter. Criteria: Invitae Variant Classification Sherloc (09022015). Collection method: clinical testing. Allele origin: germline.
Comment: This sequence change replaces proline, which is neutral and non-polar, with alanine, which is neutral and non-polar, at codon 123 of the GALNT12 protein (p.Pro123Ala). This variant is not present in population databases (gnomAD no frequency). This variant has not been reported in the literature in individuals affected with GALNT12-related conditions. Invitae Evidence Modeling of protein sequence and biophysical properties (such as structural, functional, and spatial information, amino acid conservation, physicochemical variation, residue mobility, and thermodynamic stability) indicates that this missense variant is not expected to disrupt GALNT12 protein function with a negative predictive value of 80%. In summary, the available evidence is currently insufficient to determine the role of this variant in disease. Therefore, it has been classified as a Variant of Uncertain Significance.